The following is an entry in ClinVar:

ClinVar aggregate classification (germline): Uncertain significance (1 of 4 stars; one submission).

Conditions:
Symmetrical dyschromatosis of extremities (DSH). Also called: DYSCHROMATOSIS SYMMETRICA HEREDITARIA 1; RETICULATE ACROPIGMENTATION OF DOHI; SYMMETRIC DYSCHROMATOSIS OF THE EXTREMITIES; Dyschromatosis symmetrica hereditaria. Identifiers: Orphanet 41, MedGen C0406775, MONDO:0007483, OMIM 127400.
Aicardi-Goutieres syndrome 6 (AGS6). Identifiers: Orphanet 51, MedGen C3539013, MONDO:0014007, OMIM 615010.

Submission:

Labcorp Genetics (formerly Invitae), Labcorp
Classification: Uncertain significance for Aicardi-Goutieres syndrome 6; Symmetrical dyschromatosis of extremities. Last evaluated: 2022-12-06. Review status: criteria provided, single submitter. Criteria: Invitae Variant Classification Sherloc (09022015). Collection method: clinical testing. Allele origin: germline.
Comment: This sequence change replaces glycine, which is neutral and non-polar, with alanine, which is neutral and non-polar, at codon 1202 of the ADAR protein (p.Gly1202Ala). In summary, the available evidence is currently insufficient to determine the role of this variant in disease. Therefore, it has been classified as a Variant of Uncertain Significance. Advanced modeling of protein sequence and biophysical properties (such as structural, functional, and spatial information, amino acid conservation, physicochemical variation, residue mobility, and thermodynamic stability) performed at Invitae indicates that this missense variant is not expected to disrupt ADAR protein function. This variant has not been reported in the literature in individuals affected with ADAR-related conditions. This variant is not present in population databases (gnomAD no frequency).

NM_001111.5(ADAR):c.3605G>C (p.Gly1202Ala)

Gene: ADAR (adenosine deaminase RNA specific; minus strand). Cytogenetic location: 1q21.3.
Variant type: single nucleotide variant.
Coding change: c.3605G>C on transcript NM_001111.5 (MANE Select); coding-DNA position 3605, G replaced by C.
Protein change: p.Gly1202Ala; replaces glycine 1202 with alanine.
Molecular consequence: missense variant.
Genome position (GRCh38, 1-based): chr1:154,584,882, C>G on the plus strand (G>C on the coding strand, the complement: ADAR is on the minus strand). VCF-style: chr1-154584882-C-G. GRCh37 (hg19) VCF-style: chr1-154557358-C-G.
Other names: c.2720G>C, p.Gly907Ala (NM_001025107.3, NM_001193495.2, NM_001365046.1 and 2 more transcripts); c.3632G>C, p.Gly1211Ala (NM_001365045.1); c.2642G>C, p.Gly881Ala (NM_001365049.1); c.3527G>C, p.Gly1176Ala (NM_015840.4); c.3470G>C, p.Gly1157Ala (NM_015841.4); short protein forms G1157A, G1176A, G1211A, G907A, G1202A, G881A.
Identifiers: ClinVar variation 2922151 (VCV002922151.3), dbSNP rs2526443232, ClinGen allele CA342634588.